The following is an entry in ClinVar:

ClinVar aggregate classification (germline): Uncertain significance. Review status: criteria provided, multiple submitters, no conflicts (2 of 4 stars). 5 submissions from 5 submitters: Uncertain significance (5). Last evaluated 2025-06-17.

Conditions:
Muscular dystrophy, limb-girdle, autosomal dominant. Also called: Autosomal dominant form of limb-girdle muscular dystrophy. Identifiers: Orphanet 102014, MedGen C5675009, MONDO:0015151.
Autosomal dominant limb-girdle muscular dystrophy type 1D (DNAJB6) (LGMDD1). Also called: MUSCULAR DYSTROPHY, LIMB-GIRDLE, TYPE 1D; MUSCULAR DYSTROPHY, AUTOSOMAL DOMINANT, WITH RIMMED VACUOLES; Autosomal dominant limb-girdle muscular dystrophy type 1D; Muscular dystrophy, limb-girdle, autosomal dominant 1. Identifiers: Orphanet 34516, MedGen C4721885, MONDO:0021018, OMIM 603511.

Submissions (5):

Labcorp Genetics (formerly Invitae), Labcorp
Classification: Uncertain significance for Autosomal dominant limb-girdle muscular dystrophy type 1D (DNAJB6). Last evaluated: 2025-06-17. Review status: criteria provided, single submitter. Criteria: Invitae Variant Classification Sherloc (09022015). Collection method: clinical testing. Allele origin: germline.
Comment: This variant, c.958_960del, results in the deletion of 1 amino acid(s) of the DNAJB6 protein (p.Lys320del), but otherwise preserves the integrity of the reading frame. This variant is present in population databases (rs778749161, gnomAD 0.004%). This variant has not been reported in the literature in individuals affected with DNAJB6-related conditions. ClinVar contains an entry for this variant (Variation ID: 288083). Experimental studies and prediction algorithms are not available or were not evaluated, and the functional significance of this variant is currently unknown. In summary, the available evidence is currently insufficient to determine the role of this variant in disease. Therefore, it has been classified as a Variant of Uncertain Significance.

Department of Pathology and Laboratory Medicine, Sinai Health System
Classification: Uncertain significance for muscular dystrophy, limb-girdle, autosomal dominant. Last evaluated: 2021-07-30. Review status: criteria provided, single submitter. Criteria: ACMG Guidelines, 2015. Collection method: research. Allele origin: germline.

Eurofins Ntd Llc (ga)
Classification: Uncertain significance. Last evaluated: 2017-05-08. Review status: criteria provided, single submitter. Criteria: EGL Classification Definitions 2015. Collection method: clinical testing. Allele origin: germline. Observed: 5 variant alleles, 5 heterozygotes.

GeneDx
Classification: Uncertain significance. Last evaluated: 2017-03-27. Review status: criteria provided, single submitter. Criteria: GeneDx Variant Classification (06012015). Collection method: clinical testing. Allele origin: germline. Affected: yes.
Comment: he c.958_960delAAG variant has not been published as a pathogenic variant, nor has it been reported as a benign variant to our knowledge. This variant is not observed in large population cohorts (Lek et al., 2016; 1000 Genomes Consortium et al., 2015; Exome Variant Server). The c.958_960delAAG variant results in an in-frame deletion of a single Lysine residue, denoted p.Lys320del. However, this variant is not predicted to cause loss of normal protein function through protein truncation or nonsense-mediated mRNA decay.

Breakthrough Genomics
Classification: Uncertain significance. Review status: criteria provided, single submitter. Criteria: ACMG Guidelines, 2015. Collection method: not provided. Allele origin: germline. Inheritance: Autosomal recessive inheritance. Affected: yes.

NM_058246.4(DNAJB6):c.949AAG[3] (p.Lys320del)

Gene: DNAJB6 (DnaJ heat shock protein family (Hsp40) member B6; plus strand). Cytogenetic location: 7q36.3.
Variant type: Microsatellite.
Coding change: c.949AAG[3] on transcript NM_058246.4 (MANE Select); three copies in a row of the 3-base unit AAG starting at c.949; the reference has four copies in a row; one copy, 3 bases deleted.
Protein change: p.Lys320del; deletes lysine 320.
Molecular consequence: inframe deletion.
Genome position (GRCh38, 1-based): chr7:157,416,075-157,416,077, AAG deleted; deleting any 3 consecutive bases within chr7:157,416,065-157,416,077 gives the same sequence; the position shown is the placement nearest the transcript's 3' end. VCF-style (leftmost placement, unchanged base first): chr7-157416064-CGAA-C. GRCh37 (hg19) VCF-style: chr7-157208758-CGAA-C.
Other names: c.604AAG[3], p.Lys205del (NM_001363676.1); short protein forms K320del, K205del.
Identifiers: ClinVar variation 288083 (VCV000288083.14), dbSNP rs778749161, ClinGen allele CA4590679.